The following is an entry in ClinVar:

NM_004360.5(CDH1):c.577A>G (p.Thr193Ala)

Gene: CDH1 (cadherin 1; plus strand). Cytogenetic location: 16q22.1.
Variant type: single nucleotide variant.
Coding change: c.577A>G on transcript NM_004360.5 (MANE Select); coding-DNA position 577, A replaced by G.
Protein change: p.Thr193Ala; replaces threonine 193 with alanine.
Molecular consequence: missense variant. On other transcripts: 5 prime UTR variant (2).
Genome position (GRCh38, 1-based): chr16:68,808,738, A>G. VCF-style: chr16-68808738-A-G. GRCh37 (hg19) VCF-style: chr16-68842641-A-G.
Other names: c.577A>G, p.Thr193Ala (NM_001317184.2); c.-1039A>G (NM_001317185.2); c.-1243A>G (NM_001317186.2); short protein forms T193A.
Identifiers: ClinVar variation 825964 (VCV000825964.13), dbSNP rs1597891014, ClinGen allele CA396457942.

ClinVar aggregate classification (germline): Uncertain significance. Review status: criteria provided, multiple submitters, no conflicts (2 of 4 stars). 2 submissions from 2 submitters: Uncertain significance (2). Last evaluated 2025-03-04.

Conditions:
Hereditary diffuse gastric adenocarcinoma (HDGC). Also called: DIFFUSE GASTRIC AND LOBULAR BREAST CANCER SYNDROME. Identifiers: Orphanet 26106, MedGen C1708349, MONDO:0007648, OMIM 137215.
Hereditary cancer-predisposing syndrome. Also called: Neoplastic Syndromes, Hereditary; Hereditary Cancer Syndrome; Hereditary neoplastic syndrome; Tumor predisposition. Identifiers: Orphanet 140162, MedGen C0027672, MeSH D009386, MONDO:0015356.

Submissions (2):

Labcorp Genetics (formerly Invitae), Labcorp
Classification: Uncertain significance for Hereditary diffuse gastric adenocarcinoma. Last evaluated: 2025-03-04. Review status: criteria provided, single submitter. Criteria: Invitae Variant Classification Sherloc (09022015). Collection method: clinical testing. Allele origin: germline.
Comment: This sequence change replaces threonine, which is neutral and polar, with alanine, which is neutral and non-polar, at codon 193 of the CDH1 protein (p.Thr193Ala). This variant is not present in population databases (gnomAD no frequency). This variant has not been reported in the literature in individuals affected with CDH1-related conditions. ClinVar contains an entry for this variant (Variation ID: 825964). An algorithm developed to predict the effect of missense changes on protein structure and function (PolyPhen-2) suggests that this variant is likely to be disruptive. In summary, the available evidence is currently insufficient to determine the role of this variant in disease. Therefore, it has been classified as a Variant of Uncertain Significance.

Ambry Genetics
Classification: Uncertain significance for Hereditary cancer-predisposing syndrome. Last evaluated: 2025-01-20. Review status: criteria provided, single submitter. Criteria: Ambry Variant Classification Scheme 2023. Collection method: clinical testing. Allele origin: germline.
Comment: The p.T193A variant (also known as c.577A>G), located in coding exon 5 of the CDH1 gene, results from an A to G substitution at nucleotide position 577. The threonine at codon 193 is replaced by alanine, an amino acid with similar properties. This amino acid position is highly conserved in available vertebrate species. In addition, the in silico prediction for this alteration is inconclusive. Based on the available evidence, the clinical significance of this variant remains unclear.